The following is an entry in ClinVar:

NM_000443.4(ABCB4):c.1731+6T>C

Gene: ABCB4 (ATP binding cassette subfamily B member 4; minus strand). Cytogenetic location: 7q21.12.
Variant type: single nucleotide variant.
Coding change: c.1731+6T>C on transcript NM_000443.4 (MANE Select); 6 bases into the intron after coding-DNA position 1731, T replaced by C.
Molecular consequence: intron variant.
Genome position (GRCh38, 1-based): chr7:87,439,661, A>G on the plus strand (T>C on the coding strand, the complement: ABCB4 is on the minus strand). VCF-style: chr7-87439661-A-G. GRCh37 (hg19) VCF-style: chr7-87068977-A-G.
Other names: c.1731+6T>C (NM_018850.3, NM_018849.3).
Identifiers: ClinVar variation 4846344 (VCV004846344.1).

ClinVar aggregate classification (germline): Uncertain significance (1 of 4 stars; one submission).

Conditions:
Familial intrahepatic cholestasis. Identifiers: Orphanet 284385, MedGen CN296401, MONDO:0017290.

gnomAD v4.1: 5 of 1,614,028 alleles (0.00031%); highest among the groups gnomAD compares: African/African-American, 0.0013%; no homozygotes.

Submission:

Genomenon, Inc
Classification: Uncertain significance for Familial intrahepatic cholestasis. Last evaluated: 2026-04-14. Review status: criteria provided, single submitter. Criteria: Genomenon Sequence Variant Interpretation Standards - Updated. Collection method: curation. Allele origin: germline. Affected: yes.
Comment: ABCB4 c.1731+6T>C is an intronic variant located in the donor splice region of intron 14. This variant has been observed in at least one proband with an ABCB4-related disorder (PMID:20414253). It is absent or not present at a significant frequency in gnomAD. In silico models predict that this variant is possibly or probably damaging. In conclusion, we classify ABCB4 c.1731+6T>C as a variant of uncertain significance.

Literature cited by the submitters: PubMed 20414253.